The following is an entry in ClinVar:

NM_000257.4(MYH7):c.59A>G (p.Glu20Gly)

Gene: MYH7 (myosin heavy chain 7; minus strand). Cytogenetic location: 14q11.2.
Variant type: single nucleotide variant.
Coding change: c.59A>G on transcript NM_000257.4 (MANE Select); coding-DNA position 59, A replaced by G.
Protein change: p.Glu20Gly; replaces glutamic acid 20 with glycine.
Molecular consequence: missense variant.
Genome position (GRCh38, 1-based): chr14:23,433,674, T>C on the plus strand (A>G on the coding strand, the complement: MYH7 is on the minus strand). VCF-style: chr14-23433674-T-C. GRCh37 (hg19) VCF-style: chr14-23902883-T-C.
Other names: c.59A>G, p.Glu20Gly (NM_001407004.1); short protein forms E20G.
Identifiers: ClinVar variation 2563058 (VCV002563058.2), dbSNP rs2502322776, ClinGen allele CA389054067.

ClinVar aggregate classification (germline): Uncertain significance (1 of 4 stars; one submission).

Conditions:
Cardiovascular phenotype. Identifiers: MedGen CN230736.

Submission:

Ambry Genetics
Classification: Uncertain significance for Cardiovascular phenotype. Last evaluated: 2023-05-27. Review status: criteria provided, single submitter. Criteria: Ambry Variant Classification Scheme 2023. Collection method: clinical testing. Allele origin: germline.
Comment: The p.E20G variant (also known as c.59A>G), located in coding exon 1 of the MYH7 gene, results from an A to G substitution at nucleotide position 59. The glutamic acid at codon 20 is replaced by glycine, an amino acid with similar properties. This amino acid position is not well conserved in available vertebrate species. In addition, the in silico prediction for this alteration is inconclusive. Since supporting evidence is limited at this time, the clinical significance of this alteration remains unclear.